The following is an entry in ClinVar:

ClinVar aggregate classification (germline): Uncertain significance (1 of 4 stars; one submission).

Allele frequency attached by ClinVar (database versions not stated): gnomAD exomes below 0.00001.
gnomAD v4.1: 1 of 1,614,192 alleles (0.000062%); highest among the groups gnomAD compares: Admixed American, 0.0017%; no homozygotes.

Submission:

Labcorp Genetics (formerly Invitae), Labcorp
Classification: Uncertain significance. Last evaluated: 2024-11-05. Review status: criteria provided, single submitter. Criteria: Invitae Variant Classification Sherloc (09022015). Collection method: clinical testing. Allele origin: germline.
Comment: This sequence change replaces asparagine, which is neutral and polar, with serine, which is neutral and polar, at codon 284 of the ELOVL4 protein (p.Asn284Ser). This variant is not present in population databases (gnomAD no frequency). This variant has not been reported in the literature in individuals affected with ELOVL4-related conditions. ClinVar contains an entry for this variant (Variation ID: 1380553). An algorithm developed to predict the effect of missense changes on protein structure and function (PolyPhen-2) suggests that this variant is likely to be tolerated. In summary, the available evidence is currently insufficient to determine the role of this variant in disease. Therefore, it has been classified as a Variant of Uncertain Significance.

NM_022726.4(ELOVL4):c.851A>G (p.Asn284Ser)

Gene: ELOVL4 (ELOVL fatty acid elongase 4; minus strand). Cytogenetic location: 6q14.1.
Variant type: single nucleotide variant.
Coding change: c.851A>G on transcript NM_022726.4 (MANE Select); coding-DNA position 851, A replaced by G.
Protein change: p.Asn284Ser; replaces asparagine 284 with serine.
Molecular consequence: missense variant.
Genome position (GRCh38, 1-based): chr6:79,916,702, T>C on the plus strand (A>G on the coding strand, the complement: ELOVL4 is on the minus strand). VCF-style: chr6-79916702-T-C. GRCh37 (hg19) VCF-style: chr6-80626419-T-C.
Other names: short protein forms N284S.
Identifiers: ClinVar variation 1380553 (VCV001380553.6), dbSNP rs2127697581, ClinGen allele CA364655707.
Genomic context (GRCh38, chr6:79,916,702, plus strand): 5'-TTTCCATTTTCTATCATGAGTTGTTTTTCTGATTTGCTCACACCATTTGCTGAAATACCA[T>C]TCATGGCTGTTTTTCCAGCTTTTGGTTTCTTAGGCTCTTTGTATGTCCGAATGTAGAAGT-3'
Protein context (NP_073563.1, residues 274-294): KKPKAGKTAM[Asn284Ser]GISANGVSKS